The following is an entry in ClinVar:

ClinVar aggregate classification (germline): Uncertain significance. Review status: criteria provided, multiple submitters, no conflicts (2 of 4 stars). 2 submissions from 2 submitters: Uncertain significance (2). Last evaluated 2025-08-19.

Conditions:
Familial thoracic aortic aneurysm and aortic dissection (TAAD). Also called: Thoracic aortic aneurysms and dissections. Identifiers: Orphanet 91387, MedGen C4707243, MONDO:0019625.
Shprintzen-Goldberg syndrome (SGS). Also called: Marfanoid disorder with craniosynostosis type 1; Marfanoid craniosynostosis syndrome; Shprintzen-Goldberg marfanoid syndrome; SHPRINTZEN-GOLDBERG CRANIOSYNOSTOSIS SYNDROME; CRANIOSYNOSTOSIS WITH ARACHNODACTYLY AND ABDOMINAL HERNIAS. Identifiers: Orphanet 2462, MedGen C1321551, MONDO:0008426, OMIM 182212.

Allele frequency attached by ClinVar (database versions not stated): TOPMed 0.00001; gnomAD exomes 0.00001; gnomAD 0.00001; ExAC 0.00002.
gnomAD v4.1: 8 of 1,611,950 alleles (0.0005%); highest among the groups gnomAD compares: East Asian, 0.0067%; no homozygotes.

Submissions (2):

Ambry Genetics
Classification: Uncertain significance for Familial thoracic aortic aneurysm and aortic dissection. Last evaluated: 2025-08-19. Review status: criteria provided, single submitter. Criteria: Ambry Variant Classification Scheme 2023. Collection method: clinical testing. Allele origin: germline.
Comment: The p.E444K variant (also known as c.1330G>A), located in coding exon 4 of the SKI gene, results from a G to A substitution at nucleotide position 1330. The glutamic acid at codon 444 is replaced by lysine, an amino acid with similar properties. This amino acid position is conserved. In addition, the in silico prediction for this alteration is inconclusive. Since supporting evidence is limited at this time, the clinical significance of this alteration remains unclear.

Labcorp Genetics (formerly Invitae), Labcorp
Classification: Uncertain significance for Shprintzen-Goldberg syndrome. Last evaluated: 2023-11-18. Review status: criteria provided, single submitter. Criteria: Invitae Variant Classification Sherloc (09022015). Collection method: clinical testing. Allele origin: germline.
Comment: This sequence change replaces glutamic acid, which is acidic and polar, with lysine, which is basic and polar, at codon 444 of the SKI protein (p.Glu444Lys). This variant is present in population databases (rs747693633, gnomAD 0.007%). This variant has not been reported in the literature in individuals affected with SKI-related conditions. ClinVar contains an entry for this variant (Variation ID: 837577). Advanced modeling of protein sequence and biophysical properties (such as structural, functional, and spatial information, amino acid conservation, physicochemical variation, residue mobility, and thermodynamic stability) has been performed at Invitae for this missense variant, however the output from this modeling did not meet the statistical confidence thresholds required to predict the impact of this variant on SKI protein function. In summary, the available evidence is currently insufficient to determine the role of this variant in disease. Therefore, it has been classified as a Variant of Uncertain Significance.

NM_003036.4(SKI):c.1330G>A (p.Glu444Lys)

Gene: SKI (SKI proto-oncogene; plus strand). Cytogenetic location: 1p36.32.
Variant type: single nucleotide variant.
Coding change: c.1330G>A on transcript NM_003036.4 (MANE Select); coding-DNA position 1330, G replaced by A.
Protein change: p.Glu444Lys; replaces glutamic acid 444 with lysine.
Molecular consequence: missense variant.
Genome position (GRCh38, 1-based): chr1:2,303,958, G>A. VCF-style: chr1-2303958-G-A. GRCh37 (hg19) VCF-style: chr1-2235397-G-A.
Other names: short protein forms E444K.
Identifiers: ClinVar variation 837577 (VCV000837577.12), dbSNP rs747693633, ClinGen allele CA536681.